The following is an entry in ClinVar:

ClinVar aggregate classification (germline): Likely pathogenic (1 of 4 stars; one submission).

Conditions:
Developmental and epileptic encephalopathy 94 (DEE94). Also called: Epileptic encephalopathy, childhood-onset; CHD2-Related Neurodevelopmental Disorders. Identifiers: Orphanet 1942, Orphanet 2382, MedGen C3809278, MONDO:0014150, OMIM 615369.

Submission:

Baylor Genetics
Classification: Likely pathogenic for Developmental and epileptic encephalopathy 94. Last evaluated: 2018-08-14. Review status: criteria provided, single submitter. Criteria: ACMG Guidelines, 2015. Collection method: clinical testing. Allele origin: de novo. Affected: yes.
Comment: This variant was determined to be likely pathogenic according to ACMG Guidelines, 2015 [PMID:25741868].

NM_001271.4(CHD2):c.1151_1153+4del

Gene: CHD2 (chromodomain helicase DNA binding protein 2; plus strand). Cytogenetic location: 15q26.1.
Variant type: Deletion.
Coding change: c.1151_1153+4del on transcript NM_001271.4 (MANE Select); coding-DNA position 1151 through 4 bases into the intron after coding-DNA position 1153, 7 bases deleted (TAGGTAA; older notation c.1151_1153+4delTAGGTAA).
Molecular consequence: splice donor variant.
Genome position (GRCh38, 1-based): chr15:92,944,513-92,944,519, TAGGTAA deleted; deleting any 7 consecutive bases within chr15:92,944,509-92,944,519 gives the same sequence; the c. name uses the placement nearest the transcript's 3' end. VCF-style (leftmost placement, unchanged base first): chr15-92944508-AGTAATAG-A. GRCh37 (hg19) VCF-style: chr15-93487738-AGTAATAG-A.
Other names: c.1151_1153+4del (NM_001042572.3).
Identifiers: ClinVar variation 1031950 (VCV001031950.1), dbSNP rs2053431516, ClinGen allele CA2196357619.